The following is an entry in ClinVar:

NM_001184900.3(CARD8):c.475C>A (p.Arg159Ser)

Gene: CARD8 (caspase recruitment domain family member 8; minus strand). Cytogenetic location: 19q13.33.
Variant type: single nucleotide variant.
Coding change: c.475C>A on transcript NM_001184900.3 (MANE Select); coding-DNA position 475, C replaced by A.
Protein change: p.Arg159Ser; replaces arginine 159 with serine.
Molecular consequence: missense variant. On other transcripts: non-coding transcript variant (4).
Genome position (GRCh38, 1-based): chr19:48,231,727, G>T on the plus strand (C>A on the coding strand, the complement: CARD8 is on the minus strand). VCF-style: chr19-48231727-G-T. GRCh37 (hg19) VCF-style: chr19-48734984-G-T.
Other names: c.325C>A, p.Arg109Ser (NM_001184901.1, NM_001351783.2, NM_001351788.2 and 2 more transcripts); c.475C>A, p.Arg159Ser (NM_001184902.2, NM_001184903.1, NM_001351782.2); c.160C>A, p.Arg54Ser (NM_001351784.2, NM_001351787.2, NM_001351791.2 and 2 more transcripts); c.139C>A, p.Arg47Ser (NM_001351786.2); c.232C>A, p.Arg78Ser (NM_001351790.2); short protein forms R109S, R54S, R78S, R47S, R159S.
Identifiers: ClinVar variation 4716843 (VCV004716843.1).
Genomic context (GRCh38, chr19:48,231,727, plus strand): 5'-TGTTTGTGCTCTTATCAATCAACTCAACATCCACATTTCCTTCAGGCCCCAGAAACTGAC[G>T]ATTTTTATAATCTTCTTCGATCTCAAAACAGACTTTAGAAGCATAAGAGGAAACTATTTG-3'
Protein context (NP_001171829.1, residues 149-169): CFEIEEDYKN[Arg159Ser]QFLGPEGNVD

ClinVar aggregate classification (germline): Uncertain significance (1 of 4 stars; one submission).

Submission:

Labcorp Genetics (formerly Invitae), Labcorp
Classification: Uncertain significance. Last evaluated: 2025-04-08. Review status: criteria provided, single submitter. Criteria: Invitae Variant Classification Sherloc (09022015). Collection method: clinical testing. Allele origin: germline.
Comment: This sequence change replaces arginine, which is basic and polar, with serine, which is neutral and polar, at codon 109 of the CARD8 protein (p.Arg109Ser). This variant is not present in population databases (gnomAD no frequency). This variant has not been reported in the literature in individuals affected with CARD8-related conditions. An algorithm developed to predict the effect of missense changes on protein structure and function (PolyPhen-2) suggests that this variant is likely to be tolerated. In summary, the available evidence is currently insufficient to determine the role of this variant in disease. Therefore, it has been classified as a Variant of Uncertain Significance.